The following is an entry in ClinVar:

NM_000361.3(THBD):c.1057C>G (p.Pro353Ala)

Gene: THBD (thrombomodulin; minus strand). Cytogenetic location: 20p11.21.
Variant type: single nucleotide variant.
Coding change: c.1057C>G on transcript NM_000361.3 (MANE Select); coding-DNA position 1057, C replaced by G.
Protein change: p.Pro353Ala; replaces proline 353 with alanine.
Molecular consequence: missense variant.
Genome position (GRCh38, 1-based): chr20:23,048,448, G>C on the plus strand (C>G on the coding strand, the complement: THBD is on the minus strand). VCF-style: chr20-23048448-G-C. GRCh37 (hg19) VCF-style: chr20-23029085-G-C.
Other names: short protein forms P353A.
Identifiers: ClinVar variation 2783052 (VCV002783052.3), dbSNP rs1300304839, ClinGen allele CA408406362.

ClinVar aggregate classification (germline): Uncertain significance (1 of 4 stars; one submission).

gnomAD v4.1: 2 of 1,613,552 alleles (0.00012%); highest among the groups gnomAD compares: African/African-American, 0.0027%; no homozygotes.

Submission:

Labcorp Genetics (formerly Invitae), Labcorp
Classification: Uncertain significance. Last evaluated: 2023-06-23. Review status: criteria provided, single submitter. Criteria: Invitae Variant Classification Sherloc (09022015). Collection method: clinical testing. Allele origin: germline.
Comment: This sequence change replaces proline, which is neutral and non-polar, with alanine, which is neutral and non-polar, at codon 353 of the THBD protein (p.Pro353Ala). This variant is present in population databases (no rsID available, gnomAD 0.01%). This variant has not been reported in the literature in individuals affected with THBD-related conditions. Advanced modeling of protein sequence and biophysical properties (such as structural, functional, and spatial information, amino acid conservation, physicochemical variation, residue mobility, and thermodynamic stability) performed at Invitae indicates that this missense variant is not expected to disrupt THBD protein function. In summary, the available evidence is currently insufficient to determine the role of this variant in disease. Therefore, it has been classified as a Variant of Uncertain Significance.